The following is an entry in ClinVar:

ClinVar aggregate classification (germline): Uncertain significance (1 of 4 stars; one submission).

gnomAD v4.1: 3 of 1,614,082 alleles (0.00019%); highest among the groups gnomAD compares: South Asian, 0.0022%; no homozygotes.

Submission:

Labcorp Genetics (formerly Invitae), Labcorp
Classification: Uncertain significance. Last evaluated: 2024-04-17. Review status: criteria provided, single submitter. Criteria: Invitae Variant Classification Sherloc (09022015). Collection method: clinical testing. Allele origin: germline.
Comment: This sequence change replaces methionine, which is neutral and non-polar, with valine, which is neutral and non-polar, at codon 2161 of the FBN3 protein (p.Met2161Val). This variant is not present in population databases (gnomAD no frequency). This variant has not been reported in the literature in individuals affected with FBN3-related conditions. Advanced modeling of protein sequence and biophysical properties (such as structural, functional, and spatial information, amino acid conservation, physicochemical variation, residue mobility, and thermodynamic stability) performed at Invitae indicates that this missense variant is expected to disrupt FBN3 protein function with a positive predictive value of 80%. In summary, the available evidence is currently insufficient to determine the role of this variant in disease. Therefore, it has been classified as a Variant of Uncertain Significance.

NM_032447.5(FBN3):c.6481A>G (p.Met2161Val)

Gene: FBN3 (fibrillin 3; minus strand). Cytogenetic location: 19p13.2.
Variant type: single nucleotide variant.
Coding change: c.6481A>G on transcript NM_032447.5 (MANE Select); coding-DNA position 6481, A replaced by G.
Protein change: p.Met2161Val; replaces methionine 2161 with valine.
Molecular consequence: missense variant.
Genome position (GRCh38, 1-based): chr19:8,088,075, T>C on the plus strand (A>G on the coding strand, the complement: FBN3 is on the minus strand). VCF-style: chr19-8088075-T-C. GRCh37 (hg19) VCF-style: chr19-8152959-T-C.
Other names: c.6481A>G, p.Met2161Val (NM_001321431.2); short protein forms M2161V.
Identifiers: ClinVar variation 3693806 (VCV003693806.2).